The following is an entry in ClinVar:

NM_001081.4(CUBN):c.3844G>A (p.Val1282Ile)

Gene: CUBN (cubilin; minus strand). Cytogenetic location: 10p13.
Variant type: single nucleotide variant.
Coding change: c.3844G>A on transcript NM_001081.4 (MANE Select); coding-DNA position 3844, G replaced by A.
Protein change: p.Val1282Ile; replaces valine 1282 with isoleucine.
Molecular consequence: missense variant.
Genome position (GRCh38, 1-based): chr10:17,041,206, C>T on the plus strand (G>A on the coding strand, the complement: CUBN is on the minus strand). VCF-style: chr10-17041206-C-T. GRCh37 (hg19) VCF-style: chr10-17083205-C-T.
Other names: short protein forms V1282I.
Identifiers: ClinVar variation 1992507 (VCV001992507.5), dbSNP rs1835010767, ClinGen allele CA376146874.

ClinVar aggregate classification (germline): Uncertain significance. Review status: criteria provided, multiple submitters, no conflicts (2 of 4 stars). 2 submissions from 2 submitters: Uncertain significance (2). Last evaluated 2023-12-24.

Conditions:
Imerslund-Grasbeck syndrome type 1 (IGS1). Also called: Megaloblastic anemia 1, Finnish type; MEGALOBLASTIC ANEMIA, 1; Imerslund-Gräsbeck syndrome 1. Identifiers: MedGen C4016819, MONDO:0100156, OMIM 261100.
Proteinuria, chronic benign. Identifiers: MedGen C5394384, MONDO:0030042, OMIM 618884.
Imerslund-Grasbeck syndrome. Also called: ENTEROCYTE COBALAMIN MALABSORPTION; ENTEROCYTE INTRINSIC FACTOR RECEPTOR, DEFECT OF; PERNICIOUS ANEMIA, JUVENILE, DUE TO SELECTIVE INTESTINAL MALABSORPTION OF VITAMIN B12, WITH PROTEINURIA; Imerslund-Gräsbeck syndrome; Megaloblastic anemia due to inborn errors of metabolism. Identifiers: Orphanet 35858, MedGen C4551825, MONDO:0009853.

Submissions (2):

Fulgent Genetics
Classification: Uncertain significance for Imerslund-Grasbeck syndrome type 1; Proteinuria, chronic benign. Last evaluated: 2023-12-24. Review status: criteria provided, single submitter. Criteria: ACMG Guidelines, 2015. Collection method: clinical testing. Allele origin: germline.

Labcorp Genetics (formerly Invitae), Labcorp
Classification: Uncertain significance for Imerslund-Grasbeck syndrome. Last evaluated: 2022-05-09. Review status: criteria provided, single submitter. Criteria: Invitae Variant Classification Sherloc (09022015). Collection method: clinical testing. Allele origin: germline.
Comment: In summary, the available evidence is currently insufficient to determine the role of this variant in disease. Therefore, it has been classified as a Variant of Uncertain Significance. Algorithms developed to predict the effect of missense changes on protein structure and function output the following: SIFT: "Tolerated"; PolyPhen-2: "Benign"; Align-GVGD: "Class C0". The isoleucine amino acid residue is found in multiple mammalian species, which suggests that this missense change does not adversely affect protein function. This variant has not been reported in the literature in individuals affected with CUBN-related conditions. This variant is not present in population databases (gnomAD no frequency). This sequence change replaces valine, which is neutral and non-polar, with isoleucine, which is neutral and non-polar, at codon 1282 of the CUBN protein (p.Val1282Ile).